The following is an entry in ClinVar:

ClinVar aggregate classification (germline): Uncertain significance (1 of 4 stars; one submission).

gnomAD v4.1: 1 of 1,595,636 alleles (0.000063%); no homozygotes.

Submission:

GeneDx
Classification: Uncertain significance. Last evaluated: 2026-02-20. Review status: criteria provided, single submitter. Criteria: GeneDx Variant Classification Process June 2021. Collection method: clinical testing. Allele origin: germline.
Comment: Not observed at significant frequency in large population cohorts (gnomAD); In silico analysis suggests that this missense variant does not alter protein structure/function; Has not been previously published as pathogenic or benign to our knowledge

NM_003737.4(DCHS1):c.8827G>A (p.Ala2943Thr)

Gene: DCHS1 (dachsous cadherin-related 1; minus strand). Cytogenetic location: 11p15.4.
Variant type: single nucleotide variant.
Coding change: c.8827G>A on transcript NM_003737.4 (MANE Select); coding-DNA position 8827, G replaced by A.
Protein change: p.Ala2943Thr; replaces alanine 2943 with threonine.
Molecular consequence: missense variant.
Genome position (GRCh38, 1-based): chr11:6,622,849, C>T on the plus strand (G>A on the coding strand, the complement: DCHS1 is on the minus strand). VCF-style: chr11-6622849-C-T. GRCh37 (hg19) VCF-style: chr11-6644080-C-T.
Other names: short protein forms A2943T.
Identifiers: ClinVar variation 5009778 (VCV005009778.1).
Genomic context (GRCh38, chr11:6,622,849, plus strand): 5'-CCCGAACAAGTCCTAGGACCAGGGCTGCCAGTGCAAGCACCACCACAACTCCCAAGGAGG[C>T]TGCCACGGCCCCTACTAATAGCAGGTTGAGGTCAGGTGCCAGGCCCAGTGCGGTGTGGGT-3'
Protein context (NP_003728.1, residues 2933-2953): LNLLLVGAVA[Ala2943Thr]SLGVVVVLAL